The following is an entry in ClinVar:

ClinVar aggregate classification (germline): Uncertain significance. Review status: criteria provided, multiple submitters, no conflicts (2 of 4 stars). 3 submissions from 3 submitters: Uncertain significance (3). Last evaluated 2022-11-29.

Submissions (3):

Blueprint Genetics
Classification: Uncertain significance. Last evaluated: 2022-11-29. Review status: criteria provided, single submitter. Criteria: ACMG Guidelines, 2015. Collection method: clinical testing. Allele origin: germline.

Labcorp Genetics (formerly Invitae), Labcorp
Classification: Uncertain significance. Last evaluated: 2022-07-09. Review status: criteria provided, single submitter. Criteria: Invitae Variant Classification Sherloc (09022015). Collection method: clinical testing. Allele origin: germline.
Comment: This variant is present in population databases (rs770140141, gnomAD 0.007%). This variant, c.1270_1278dup, results in the insertion of 3 amino acid(s) of the TOPORS protein (p.Tyr425_Ser427dup), but otherwise preserves the integrity of the reading frame. This variant has not been reported in the literature in individuals affected with TOPORS-related conditions. ClinVar contains an entry for this variant (Variation ID: 1435821). Experimental studies and prediction algorithms are not available or were not evaluated, and the functional significance of this variant is currently unknown. In summary, the available evidence is currently insufficient to determine the role of this variant in disease. Therefore, it has been classified as a Variant of Uncertain Significance.

Breakthrough Genomics
Classification: Uncertain significance. Review status: criteria provided, single submitter. Criteria: ACMG Guidelines, 2015. Collection method: not provided. Allele origin: germline. Inheritance: Autosomal recessive inheritance. Affected: yes.

NM_005802.5(TOPORS):c.1270_1278dup (p.Tyr425_Ser427dup)

Gene: TOPORS (TOP1 binding arginine/serine rich protein, E3 ubiquitin ligase; minus strand). Cytogenetic location: 9p21.1.
Variant type: Duplication.
Coding change: c.1270_1278dup on transcript NM_005802.5 (MANE Select); coding-DNA positions 1270 to 1278, 9 bases duplicated (TCTTACTCA; older notation c.1270_1278dupTCTTACTCA).
Protein change: p.Tyr425_Ser427dup.
Molecular consequence: inframe insertion.
Genome position (GRCh38, 1-based): chr9:32,543,247-32,543,255, TGAGTAAGA duplicated on the plus strand (TCTTACTCA on the coding strand, the reverse complement: TOPORS is on the minus strand); duplicating any 9 consecutive bases within chr9:32,543,247-32,543,257 gives the same sequence; the c. name uses the placement nearest the transcript's 3' end. VCF-style (leftmost placement, unchanged base first): chr9-32543246-T-TTGAGTAAGA. GRCh37 (hg19) VCF-style: chr9-32543244-T-TTGAGTAAGA.
Other names: c.1075_1083dup, p.Tyr360_Ser362dup (NM_001195622.2).
Identifiers: ClinVar variation 1435821 (VCV001435821.8), dbSNP rs770140141, ClinGen allele CA5020544.